The following is an entry in ClinVar:

ClinVar aggregate classification (germline): Uncertain significance. Review status: criteria provided, multiple submitters, no conflicts (2 of 4 stars). 2 submissions from 2 submitters: Uncertain significance (2). Last evaluated 2026-07-06.

Conditions:
Hereditary cancer-predisposing syndrome. Also called: Tumor predisposition; Hereditary neoplastic syndrome; Neoplastic Syndromes, Hereditary; Hereditary Cancer Syndrome. Identifiers: Orphanet 140162, MedGen C0027672, MeSH D009386, MONDO:0015356.

Allele frequency attached by ClinVar (database versions not stated): ExAC 0.00002; gnomAD exomes below 0.00001; TOPMed below 0.00001.

Submissions (2):

Ambry Genetics
Classification: Uncertain significance for Hereditary cancer-predisposing syndrome. Last evaluated: 2026-07-06. Review status: criteria provided, single submitter. Criteria: Ambry Variant Classification Scheme 2023. Collection method: clinical testing. Allele origin: germline.
Comment: The c.795+3A>G intronic variant results from an A to G substitution 3 nucleotides after coding exon 6 in the SMARCB1 gene. This variant was detected as heterozygous in individuals with no reported features of Coffin-Siris syndrome (Ambry internal data). This nucleotide position is not well conserved in available vertebrate species. In silico splice site analysis predicts that this alteration will not have any significant effect on splicing. Based on the supporting evidence, the association of this variant with SMARCB1-related tumor predisposition syndrome is unknown; however, the association of this variant with Coffin-Siris syndrome is unlikely.

Labcorp Genetics (formerly Invitae), Labcorp
Classification: Uncertain significance. Last evaluated: 2021-09-20. Review status: criteria provided, single submitter. Criteria: Invitae Variant Classification Sherloc (09022015). Collection method: clinical testing. Allele origin: germline.
Comment: This sequence change falls in intron 6 of the SMARCB1 gene. It does not directly change the encoded amino acid sequence of the SMARCB1 protein, but it affects a nucleotide within the consensus splice site of the intron. This variant is present in population databases (rs768344215, ExAC 0.01%). This variant has not been reported in the literature in individuals with SMARCB1-related conditions. Nucleotide substitutions within the consensus splice site are a relatively common cause of aberrant splicing (PMID: 17576681, 9536098). Algorithms developed to predict the effect of sequence changes on RNA splicing suggest that this variant may disrupt the consensus splice site, but this prediction has not been confirmed by published transcriptional studies. In summary, the available evidence is currently insufficient to determine the role of this variant in disease. Therefore, it has been classified as a Variant of Uncertain Significance.

Literature cited by the submitters: PubMed 17576681 (cited by Labcorp Genetics (formerly Invitae), Labcorp); PubMed 9536098 (cited by Labcorp Genetics (formerly Invitae), Labcorp).

NM_003073.5(SMARCB1):c.795+3A>G

Gene: SMARCB1 (SWI/SNF related BAF chromatin remodeling complex subunit B1; plus strand). Cytogenetic location: 22q11.23.
Variant type: single nucleotide variant.
Coding change: c.795+3A>G on transcript NM_003073.5 (MANE Select); 3 bases into the intron after coding-DNA position 795, A replaced by G.
Molecular consequence: intron variant.
Genome position (GRCh38, 1-based): chr22:23,816,939, A>G. VCF-style: chr22-23816939-A-G. GRCh37 (hg19) VCF-style: chr22-24159126-A-G.
Other names: c.849+3A>G (NM_001362877.2); c.822+3A>G (NM_001317946.2); c.768+3A>G (NM_001007468.3).
Identifiers: ClinVar variation 851721 (VCV000851721.11), dbSNP rs768344215, ClinGen allele CA10146046.